The following is an entry in ClinVar:

ClinVar aggregate classification (germline): Uncertain significance (1 of 4 stars; one submission).

Conditions:
Hereditary spastic paraplegia. Also called: Familial spastic paraparesis. Identifiers: Orphanet 685, MedGen C0037773, MONDO:0019064. Disease mechanism: loss of function.

Allele frequency attached by ClinVar (database versions not stated): gnomAD exomes below 0.00001; gnomAD 0.00001.
gnomAD v4.1: 2 of 1,527,242 alleles (0.00013%); highest among the groups gnomAD compares: Non-Finnish European, 0.00017%; no homozygotes.

Submission:

Labcorp Genetics (formerly Invitae), Labcorp
Classification: Uncertain significance for Hereditary spastic paraplegia. Last evaluated: 2024-04-16. Review status: criteria provided, single submitter. Criteria: Invitae Variant Classification Sherloc (09022015). Collection method: clinical testing. Allele origin: germline.
Comment: This sequence change replaces methionine, which is neutral and non-polar, with leucine, which is neutral and non-polar, at codon 525 of the USP8 protein (p.Met525Leu). This variant is not present in population databases (gnomAD no frequency). This variant has not been reported in the literature in individuals affected with USP8-related conditions. Algorithms developed to predict the effect of missense changes on protein structure and function output the following: SIFT: "Not Available"; PolyPhen-2: "Benign"; Align-GVGD: "Not Available". The leucine amino acid residue is found in multiple mammalian species, which suggests that this missense change does not adversely affect protein function. In summary, the available evidence is currently insufficient to determine the role of this variant in disease. Therefore, it has been classified as a Variant of Uncertain Significance.

NM_005154.5(USP8):c.1573A>T (p.Met525Leu)

Gene: USP8 (ubiquitin specific peptidase 8; plus strand). Cytogenetic location: 15q21.2.
Variant type: single nucleotide variant.
Coding change: c.1573A>T on transcript NM_005154.5 (MANE Select); coding-DNA position 1573, A replaced by T.
Protein change: p.Met525Leu; replaces methionine 525 with leucine.
Molecular consequence: missense variant.
Genome position (GRCh38, 1-based): chr15:50,481,835, A>T. VCF-style: chr15-50481835-A-T. GRCh37 (hg19) VCF-style: chr15-50774032-A-T.
Other names: c.1573A>T, p.Met525Leu (NM_001128610.3); c.1342A>T, p.Met448Leu (NM_001283049.2); short protein forms M525L, M448L.
Identifiers: ClinVar variation 2967428 (VCV002967428.3), dbSNP rs2051784256, ClinGen allele CA392393564.